The following is an entry in ClinVar:

NM_001184.4(ATR):c.464A>G (p.Asp155Gly)

Gene: ATR (ATR serine/threonine kinase; minus strand). Cytogenetic location: 3q23.
Variant type: single nucleotide variant.
Coding change: c.464A>G on transcript NM_001184.4 (MANE Select); coding-DNA position 464, A replaced by G.
Protein change: p.Asp155Gly; replaces aspartic acid 155 with glycine.
Molecular consequence: missense variant.
Genome position (GRCh38, 1-based): chr3:142,562,938, T>C on the plus strand (A>G on the coding strand, the complement: ATR is on the minus strand). VCF-style: chr3-142562938-T-C. GRCh37 (hg19) VCF-style: chr3-142281780-T-C.
Other names: c.464A>G, p.Asp155Gly (NM_001354579.2); short protein forms D155G.
Identifiers: ClinVar variation 3462748 (VCV003462748.1).

ClinVar aggregate classification (germline): Uncertain significance (1 of 4 stars; one submission).

Conditions:
Inborn genetic diseases. Identifiers: MedGen C0950123, MeSH D030342.

Submission:

Ambry Genetics
Classification: Uncertain significance for Inborn genetic diseases. Last evaluated: 2024-09-21. Review status: criteria provided, single submitter. Criteria: Ambry Variant Classification Scheme 2023. Collection method: clinical testing. Allele origin: germline.
Comment: The p.D155G variant (also known as c.464A>G), located in coding exon 4 of the ATR gene, results from an A to G substitution at nucleotide position 464. The aspartic acid at codon 155 is replaced by glycine, an amino acid with similar properties. This amino acid position is conserved. In addition, this alteration is predicted to be deleterious by in silico analysis. Based on the available evidence, the clinical significance of this variant remains unclear.